The following is an entry in ClinVar:

ClinVar aggregate classification (germline): Pathogenic (1 of 4 stars; one submission).

gnomAD v4.1: 1 of 1,613,946 alleles (0.000062%); highest among the groups gnomAD compares: Non-Finnish European, 0.000085%; no homozygotes.

Submission:

GeneDx
Classification: Pathogenic. Last evaluated: 2026-04-10. Review status: criteria provided, single submitter. Criteria: GeneDx Variant Classification Process June 2021. Collection method: clinical testing. Allele origin: germline.
Comment: Nonsense variant predicted to result in protein truncation or nonsense mediated decay in a gene for which loss of function is a known mechanism of disease; Not observed at significant frequency in large population cohorts (gnomAD); Has not been previously published in association with ASH1L-related disorder to our knowledge; This variant is associated with the following publications: (PMID: 36475376, 39902220)

NM_018489.3(ASH1L):c.8731C>T (p.Arg2911Ter)

Gene: ASH1L (ASH1 like histone lysine methyltransferase; minus strand). Cytogenetic location: 1q22.
Variant type: single nucleotide variant.
Coding change: c.8731C>T on transcript NM_018489.3 (MANE Select); coding-DNA position 8731, C replaced by T.
Protein change: p.Arg2911Ter; replaces arginine 2911 with a stop codon.
Molecular consequence: nonsense.
Genome position (GRCh38, 1-based): chr1:155,338,161, G>A on the plus strand (C>T on the coding strand, the complement: ASH1L is on the minus strand). VCF-style: chr1-155338161-G-A. GRCh37 (hg19) VCF-style: chr1-155307952-G-A.
Other names: c.8746C>T, p.Arg2916Ter (NM_001366177.2); short protein forms R2911*, R2916*.
Identifiers: ClinVar variation 4526922 (VCV004526922.2).